The following is an entry in ClinVar:

NM_002661.5(PLCG2):c.1060C>T (p.Arg354Cys)

Gene: PLCG2 (phospholipase C gamma 2; plus strand). Cytogenetic location: 16q23.3.
Variant type: single nucleotide variant.
Coding change: c.1060C>T on transcript NM_002661.5 (MANE Select); coding-DNA position 1060, C replaced by T.
Protein change: p.Arg354Cys; replaces arginine 354 with cysteine.
Molecular consequence: missense variant.
Genome position (GRCh38, 1-based): chr16:81,893,782, C>T. VCF-style: chr16-81893782-C-T. GRCh37 (hg19) VCF-style: chr16-81927387-C-T.
Other names: c.1060C>T, p.Arg354Cys (NM_001425749.1, NM_001425750.1, NM_001425751.1); short protein forms R354C.
Identifiers: ClinVar variation 2831917 (VCV002831917.4), dbSNP rs963539597, ClinGen allele CA285129151.

ClinVar aggregate classification (germline): Uncertain significance. Review status: criteria provided, multiple submitters, no conflicts (2 of 4 stars). 2 submissions from 2 submitters: Uncertain significance (2). Last evaluated 2026-06-24.

Conditions:
Inborn genetic diseases. Identifiers: MedGen C0950123, MeSH D030342.
Familial cold autoinflammatory syndrome 3 (FCAS3). Also called: ANTIBODY DEFICIENCY AND IMMUNE DYSREGULATION, PLCG2-ASSOCIATED; FAMILIAL ATYPICAL COLD URTICARIA. Identifiers: Orphanet 300359, MedGen C3280914, MONDO:0013766, OMIM 614468.

Allele frequency attached by ClinVar (database versions not stated): gnomAD exomes below 0.00001.
gnomAD v4.1: 4 of 1,609,552 alleles (0.00025%); highest among the groups gnomAD compares: Non-Finnish European, 0.00025%; no homozygotes.

Submissions (2):

Ambry Genetics
Classification: Uncertain significance for Inborn genetic diseases. Last evaluated: 2026-06-24. Review status: criteria provided, single submitter. Criteria: Ambry Variant Classification Scheme 2023. Collection method: clinical testing. Allele origin: germline.

Labcorp Genetics (formerly Invitae), Labcorp
Classification: Uncertain significance for Familial cold autoinflammatory syndrome 3. Last evaluated: 2023-07-18. Review status: criteria provided, single submitter. Criteria: Invitae Variant Classification Sherloc (09022015). Collection method: clinical testing. Allele origin: germline.
Comment: In summary, the available evidence is currently insufficient to determine the role of this variant in disease. Therefore, it has been classified as a Variant of Uncertain Significance. An algorithm developed to predict the effect of missense changes on protein structure and function (PolyPhen-2) suggests that this variant is likely to be disruptive. This variant has not been reported in the literature in individuals affected with PLCG2-related conditions. This variant is not present in population databases (gnomAD no frequency). This sequence change replaces arginine, which is basic and polar, with cysteine, which is neutral and slightly polar, at codon 354 of the PLCG2 protein (p.Arg354Cys).